The following is an entry in ClinVar:

ClinVar aggregate classification (germline): Uncertain significance. Review status: criteria provided, multiple submitters, no conflicts (2 of 4 stars). 3 submissions from 3 submitters: Uncertain significance (3). Last evaluated 2025-05-24.

Conditions:
Aortic valve disease 2 (AOVD2). Identifiers: MedGen C3542024, MONDO:0013902, OMIM 614823.
Inborn genetic diseases. Identifiers: MedGen C0950123, MeSH D030342.

Submissions (3):

Ambry Genetics
Classification: Uncertain significance for Inborn genetic diseases. Last evaluated: 2025-05-24. Review status: criteria provided, single submitter. Criteria: Ambry Variant Classification Scheme 2023. Collection method: clinical testing. Allele origin: germline.
Comment: The p.E185K variant (also known as c.553G>A), located in coding exon 1 of the SMAD6 gene, results from a G to A substitution at nucleotide position 553. The glutamic acid at codon 185 is replaced by lysine, an amino acid with similar properties. This amino acid position is conserved. In addition, the in silico prediction for this alteration is inconclusive. Based on the available evidence, the clinical significance of this variant remains unclear.

GeneDx
Classification: Uncertain significance. Last evaluated: 2024-10-09. Review status: criteria provided, single submitter. Criteria: GeneDx Variant Classification Process June 2021. Collection method: clinical testing. Allele origin: germline. Affected: yes.
Comment: Not observed at significant frequency in large population cohorts (gnomAD); In silico analysis supports that this missense variant has a deleterious effect on protein structure/function; Has not been previously published as pathogenic or benign to our knowledge

Labcorp Genetics (formerly Invitae), Labcorp
Classification: Uncertain significance for Aortic valve disease 2. Last evaluated: 2023-11-14. Review status: criteria provided, single submitter. Criteria: Invitae Variant Classification Sherloc (09022015). Collection method: clinical testing. Allele origin: germline.
Comment: This sequence change replaces glutamic acid, which is acidic and polar, with lysine, which is basic and polar, at codon 185 of the SMAD6 protein (p.Glu185Lys). This variant is not present in population databases (gnomAD no frequency). This variant has not been reported in the literature in individuals affected with SMAD6-related conditions. Advanced modeling of protein sequence and biophysical properties (such as structural, functional, and spatial information, amino acid conservation, physicochemical variation, residue mobility, and thermodynamic stability) performed at Invitae indicates that this missense variant is not expected to disrupt SMAD6 protein function with a negative predictive value of 80%. In summary, the available evidence is currently insufficient to determine the role of this variant in disease. Therefore, it has been classified as a Variant of Uncertain Significance.

NM_005585.5(SMAD6):c.553G>A (p.Glu185Lys)

Gene: SMAD6 (SMAD family member 6; plus strand). Cytogenetic location: 15q22.31.
Variant type: single nucleotide variant.
Coding change: c.553G>A on transcript NM_005585.5 (MANE Select); coding-DNA position 553, G replaced by A.
Protein change: p.Glu185Lys; replaces glutamic acid 185 with lysine.
Molecular consequence: missense variant. On other transcripts: non-coding transcript variant (1).
Genome position (GRCh38, 1-based): chr15:66,703,811, G>A. VCF-style: chr15-66703811-G-A. GRCh37 (hg19) VCF-style: chr15-66996149-G-A.
Other names: c.553G>A (NM_005585.4); short protein forms E185K.
Identifiers: ClinVar variation 2888270 (VCV002888270.5), dbSNP rs1893039406, ClinGen allele CA392949777.